The following is an entry in ClinVar:

NM_032043.3(BRIP1):c.1142T>A (p.Met381Lys)

Gene: BRIP1 (BRCA1 interacting DNA helicase 1; minus strand). Cytogenetic location: 17q23.2.
Variant type: single nucleotide variant.
Coding change: c.1142T>A on transcript NM_032043.3 (MANE Select); coding-DNA position 1142, T replaced by A.
Protein change: p.Met381Lys; replaces methionine 381 with lysine.
Molecular consequence: missense variant.
Genome position (GRCh38, 1-based): chr17:61,799,298, A>T on the plus strand (T>A on the coding strand, the complement: BRIP1 is on the minus strand). VCF-style: chr17-61799298-A-T. GRCh37 (hg19) VCF-style: chr17-59876659-A-T.
Other names: short protein forms M381K.
Identifiers: ClinVar variation 407809 (VCV000407809.13), dbSNP rs1060501741, ClinGen allele CA16615507.
Genomic context (GRCh38, chr17:61,799,298, plus strand): 5'-CAGTCCTCGATGTTATGAGCTTCATCTAAAATGACAACCTGTTCTTTCAGATTTAAATCC[A>T]TCTATAAGATAAAAGAATTTTCTTGTAAAACATTTGGCAAAATAGATTTAACAACAGCAG-3'
Protein context (NP_114432.2, residues 371-391): YLLDAQIRES[Met381Lys]DLNLKEQVVI

ClinVar aggregate classification (germline): Uncertain significance. Review status: criteria provided, multiple submitters, no conflicts (2 of 4 stars). 2 submissions from 2 submitters: Uncertain significance (2). Last evaluated 2022-03-07.

Conditions:
Hereditary cancer-predisposing syndrome. Also called: Hereditary neoplastic syndrome; Neoplastic Syndromes, Hereditary; Tumor predisposition; Hereditary Cancer Syndrome. Identifiers: Orphanet 140162, MedGen C0027672, MeSH D009386, MONDO:0015356.
Familial cancer of breast. Also called: Hereditary breast cancer; hereditary breast carcinoma; BREAST CANCER, FAMILIAL. Identifiers: Orphanet 227535, MedGen C0346153, MONDO:0016419, OMIM 114480. Disease mechanism: loss of function.
Fanconi anemia complementation group J. Also called: BRIP1-Related Fanconi Anemia. Identifiers: Orphanet 84, MedGen C1836860, MONDO:0012187, OMIM 609054.

Submissions (2):

Labcorp Genetics (formerly Invitae), Labcorp
Classification: Uncertain significance for Familial cancer of breast; Fanconi anemia complementation group J. Last evaluated: 2022-03-07. Review status: criteria provided, single submitter. Criteria: Invitae Variant Classification Sherloc (09022015). Collection method: clinical testing. Allele origin: germline.
Comment: This sequence change replaces methionine, which is neutral and non-polar, with lysine, which is basic and polar, at codon 381 of the BRIP1 protein (p.Met381Lys). This variant is not present in population databases (gnomAD no frequency). This variant has not been reported in the literature in individuals affected with BRIP1-related conditions. ClinVar contains an entry for this variant (Variation ID: 407809). Algorithms developed to predict the effect of missense changes on protein structure and function are either unavailable or do not agree on the potential impact of this missense change (SIFT: "Deleterious"; PolyPhen-2: "Probably Damaging"; Align-GVGD: "Class C0"). Algorithms developed to predict the effect of sequence changes on RNA splicing suggest that this variant may create or strengthen a splice site. In summary, the available evidence is currently insufficient to determine the role of this variant in disease. Therefore, it has been classified as a Variant of Uncertain Significance.

Ambry Genetics
Classification: Uncertain significance for Hereditary cancer-predisposing syndrome. Last evaluated: 2019-02-12. Review status: criteria provided, single submitter. Criteria: Ambry Variant Classification Scheme 2023. Collection method: clinical testing. Allele origin: germline.
Comment: The p.M381K variant (also known as c.1142T>A), located in coding exon 8 of the BRIP1 gene, results from a T to A substitution at nucleotide position 1142. The methionine at codon 381 is replaced by lysine, an amino acid with similar properties. This amino acid position is highly conserved in available vertebrate species. In addition, this alteration is predicted to be deleterious by in silico analysis. Since supporting evidence is limited at this time, the clinical significance of this alteration remains unclear.